The following is an entry in ClinVar:

ClinVar aggregate classification (germline): Uncertain significance. Review status: criteria provided, multiple submitters, no conflicts (2 of 4 stars). 2 submissions from 2 submitters: Uncertain significance (2). Last evaluated 2025-02-14.

Conditions:
Epilepsy, idiopathic generalized, susceptibility to, 15 (EIG15). Identifiers: MedGen C5193050, MONDO:0032699, OMIM 618357.

Submissions (2):

Laboratorio de Genetica e Diagnostico Molecular, Hospital Israelita Albert Einstein
Classification: Uncertain significance for Epilepsy, idiopathic generalized, susceptibility to, 15. Last evaluated: 2025-02-14. Review status: criteria provided, single submitter. Criteria: ACMG Guidelines, 2015. Collection method: clinical testing. Allele origin: germline. Affected: yes.
Comment: ACMG classification criteria: PM2 supporting, PP2 supporting, PP3 supporting

Baylor Genetics
Classification: Uncertain significance for Epilepsy, idiopathic generalized, susceptibility to, 15. Last evaluated: 2023-03-15. Review status: criteria provided, single submitter. Criteria: ACMG Guidelines, 2015. Collection method: clinical testing. Allele origin: unknown.

NM_006914.4(RORB):c.99C>A (p.Phe33Leu)

Gene: RORB (RAR related orphan receptor B; plus strand). Cytogenetic location: 9q21.13.
Variant type: single nucleotide variant.
Coding change: c.99C>A on transcript NM_006914.4 (MANE Select); coding-DNA position 99, C replaced by A.
Protein change: p.Phe33Leu; replaces phenylalanine 33 with leucine.
Molecular consequence: missense variant.
Genome position (GRCh38, 1-based): chr9:74,634,636, C>A. VCF-style: chr9-74634636-C-A. GRCh37 (hg19) VCF-style: chr9-77249552-C-A.
Other names: c.132C>A, p.Phe44Leu (NM_001365023.1); short protein forms F33L, F44L.
Identifiers: ClinVar variation 2582459 (VCV002582459.2), dbSNP rs2489566697, ClinGen allele CA373772085.